The following is an entry in ClinVar:

NM_001605.3(AARS1):c.2352G>T (p.Gln784His)

Gene: AARS1 (alanyl-tRNA synthetase 1; minus strand). Cytogenetic location: 16q22.1.
Variant type: single nucleotide variant.
Coding change: c.2352G>T on transcript NM_001605.3 (MANE Select); coding-DNA position 2352, G replaced by T.
Protein change: p.Gln784His; replaces glutamine 784 with histidine.
Molecular consequence: missense variant.
Genome position (GRCh38, 1-based): chr16:70,254,669, C>A on the plus strand (G>T on the coding strand, the complement: AARS1 is on the minus strand). VCF-style: chr16-70254669-C-A. GRCh37 (hg19) VCF-style: chr16-70288572-C-A.
Other names: short protein forms Q784H.
Identifiers: ClinVar variation 2883340 (VCV002883340.3), dbSNP rs1383653774, ClinGen allele CA396555745.
Genomic context (GRCh38, chr16:70,254,669, plus strand): 5'-AGCCGCCCCTACCTCTCCAAGGTCAGCGATCTCCCTCTGCACATCCTTGTTTGGAGCAGT[C>A]TGAGCCTTCACTTTGGCTTCCATGACAGAGAGACATTTCTTCAAGCTCTCTGCTTTCCTG-3'
Protein context (NP_001596.2, residues 774-794): LSVMEAKVKA[Gln784His]TAPNKDVQRE

ClinVar aggregate classification (germline): Uncertain significance (1 of 4 stars; one submission).

Conditions:
Charcot-Marie-Tooth disease type 2. Also called: Charcot-Marie-Tooth type 2. Identifiers: Orphanet 64746, MedGen C0270914, MONDO:0018993.

Submission:

Labcorp Genetics (formerly Invitae), Labcorp
Classification: Uncertain significance for Charcot-Marie-Tooth disease type 2. Last evaluated: 2022-11-10. Review status: criteria provided, single submitter. Criteria: Invitae Variant Classification Sherloc (09022015). Collection method: clinical testing. Allele origin: germline.
Comment: This variant has not been reported in the literature in individuals affected with AARS-related conditions. Advanced modeling of protein sequence and biophysical properties (such as structural, functional, and spatial information, amino acid conservation, physicochemical variation, residue mobility, and thermodynamic stability) performed at Invitae indicates that this missense variant is not expected to disrupt AARS protein function. In summary, the available evidence is currently insufficient to determine the role of this variant in disease. Therefore, it has been classified as a Variant of Uncertain Significance. This variant is present in population databases (no rsID available, gnomAD 0.0009%). This sequence change replaces glutamine, which is neutral and polar, with histidine, which is basic and polar, at codon 784 of the AARS protein (p.Gln784His).